The following is an entry in ClinVar:

NM_033337.3(CAV3):c.128A>T (p.Asp43Val)

Genes: CAV3 (caveolin 3; plus strand), OXTR (oxytocin receptor; minus strand). Cytogenetic location: 3p25.3.
Variant type: single nucleotide variant.
Coding change: c.128A>T on transcript NM_033337.3 (MANE Select); coding-DNA position 128, A replaced by T.
Protein change: p.Asp43Val; replaces aspartic acid 43 with valine.
Molecular consequence: missense variant.
Genome position (GRCh38, 1-based): chr3:8,745,539, A>T. VCF-style: chr3-8745539-A-T. GRCh37 (hg19) VCF-style: chr3-8787225-A-T.
Other names: c.128A>T, p.Asp43Val (NM_001234.5); short protein forms D43V.
Identifiers: ClinVar variation 579228 (VCV000579228.8), dbSNP rs1559654264, ClinGen allele CA351663142.

ClinVar aggregate classification (germline): Uncertain significance. Review status: criteria provided, multiple submitters, no conflicts (2 of 4 stars). 2 submissions from 2 submitters: Uncertain significance (2). Last evaluated 2024-02-29.

Conditions:
Long QT syndrome (LQTS). Identifiers: MedGen C0023976, MeSH D008133, MONDO:0002442. Disease mechanism: loss of function. Inheritance: Various modes of inheritance.

Submissions (2):

GeneDx
Classification: Uncertain significance. Last evaluated: 2024-02-29. Review status: criteria provided, single submitter. Criteria: GeneDx Variant Classification Process June 2021. Collection method: clinical testing. Allele origin: germline. Affected: yes.
Comment: Not observed at significant frequency in large population cohorts (gnomAD); Missense variants in this gene are a common cause of disease and they are underrepresented in the general population; In silico analysis supports that this missense variant has a deleterious effect on protein structure/function; Has not been previously published as pathogenic or benign to our knowledge; This variant is associated with the following publications: (PMID: 25630502)

Labcorp Genetics (formerly Invitae), Labcorp
Classification: Uncertain significance for Long QT syndrome. Last evaluated: 2019-09-13. Review status: criteria provided, single submitter. Criteria: Invitae Variant Classification Sherloc (09022015). Collection method: clinical testing. Allele origin: germline.
Comment: Algorithms developed to predict the effect of missense changes on protein structure and function (SIFT, PolyPhen-2, Align-GVGD) all suggest that this variant is likely to be disruptive, but these predictions have not been confirmed by published functional studies and their clinical significance is uncertain. In summary, the available evidence is currently insufficient to determine the role of this variant in disease. Therefore, it has been classified as a Variant of Uncertain Significance. This variant has not been reported in the literature in individuals with CAV3-related disease. This sequence change replaces aspartic acid with valine at codon 43 of the CAV3 protein (p.Asp43Val). The aspartic acid residue is highly conserved and there is a large physicochemical difference between aspartic acid and valine. This variant is not present in population databases (ExAC no frequency).